The following is an entry in ClinVar:

NM_003361.4(UMOD):c.566_567inv (p.Tyr189Cys)

Gene: UMOD (uromodulin; minus strand). Cytogenetic location: 16p12.3.
Variant type: Inversion.
Coding change: c.566_567inv on transcript NM_003361.4 (MANE Select).
Protein change: p.Tyr189Cys; replaces tyrosine 189 with cysteine.
Molecular consequence: missense variant. On other transcripts: non-coding transcript variant (1).
Genome position: GRCh38 VCF-style: chr16-20348734-GT-AC. GRCh37 (hg19) VCF-style: chr16-20360056-GT-AC.
Other names: c.566_567inv, p.Tyr189Cys (NM_001008389.3, NM_001378232.1, NM_001378233.1 and 3 more transcripts); c.665_666inv, p.Tyr222Cys (NM_001278614.2); short protein forms Y222C, Y189C.
Identifiers: ClinVar variation 4715263 (VCV004715263.1).

ClinVar aggregate classification (germline): Uncertain significance (1 of 4 stars; one submission).

Submission:

Labcorp Genetics (formerly Invitae), Labcorp
Classification: Uncertain significance. Last evaluated: 2025-06-04. Review status: criteria provided, single submitter. Criteria: Invitae Variant Classification Sherloc (09022015). Collection method: clinical testing. Allele origin: germline.
Comment: This sequence change replaces tyrosine, which is neutral and polar, with cysteine, which is neutral and slightly polar, at codon 189 of the UMOD protein (p.Tyr189Cys). Information on the frequency of this variant in the gnomAD database is not available, as this variant may be reported differently in the database. This variant has not been reported in the literature in individuals affected with UMOD-related conditions. An algorithm developed to predict the effect of missense changes on protein structure and function (PolyPhen-2) suggests that this variant is likely to be disruptive. In summary, the available evidence is currently insufficient to determine the role of this variant in disease. Therefore, it has been classified as a Variant of Uncertain Significance.